The following is an entry in ClinVar:

ClinVar aggregate classification (germline): Uncertain significance. Review status: criteria provided, multiple submitters, no conflicts (2 of 4 stars). 4 submissions from 4 submitters: Uncertain significance (3). 1 of the submissions does not count toward it. Last evaluated 2024-07-08.

Conditions:
Retinal dystrophy. Also called: Inherited retinal dystrophy. Identifiers: Orphanet 71862, MedGen C0854723, MeSH D058499, MONDO:0019118, HP:0000556.
Inborn genetic diseases. Identifiers: MedGen C0950123, MeSH D030342.

Allele frequency attached by ClinVar (database versions not stated): ExAC 0.00002; gnomAD 0.00002; TOPMed 0.00002; gnomAD exomes 0.00003 and 0.00004.
gnomAD v4.1: 53 of 1,613,926 alleles (0.0033%); highest among the groups gnomAD compares: Non-Finnish European, 0.0043%; no homozygotes.

Submissions (4):

Blueprint Genetics
Classification: Uncertain significance. Last evaluated: 2024-07-08. Review status: criteria provided, single submitter. Criteria: ACMG Guidelines, 2015. Collection method: clinical testing. Allele origin: germline.

Ambry Genetics
Classification: Uncertain significance for Inborn genetic diseases. Last evaluated: 2024-05-20. Review status: criteria provided, single submitter. Criteria: Ambry Variant Classification Scheme 2023. Collection method: clinical testing. Allele origin: germline.

Labcorp Genetics (formerly Invitae), Labcorp
Classification: Uncertain significance. Last evaluated: 2022-09-01. Review status: criteria provided, single submitter. Criteria: Invitae Variant Classification Sherloc (09022015). Collection method: clinical testing. Allele origin: germline.
Comment: ClinVar contains an entry for this variant (Variation ID: 940475). In summary, the available evidence is currently insufficient to determine the role of this variant in disease. Therefore, it has been classified as a Variant of Uncertain Significance. Advanced modeling of protein sequence and biophysical properties (such as structural, functional, and spatial information, amino acid conservation, physicochemical variation, residue mobility, and thermodynamic stability) performed at Invitae indicates that this missense variant is not expected to disrupt CDHR1 protein function. This variant has not been reported in the literature in individuals affected with CDHR1-related conditions. This variant is present in population databases (rs764219118, gnomAD 0.008%). This sequence change replaces asparagine, which is neutral and polar, with threonine, which is neutral and polar, at codon 296 of the CDHR1 protein (p.Asn296Thr).

Institute of Human Genetics, Univ. Regensburg, Univ. Regensburg
Classification: Uncertain significance for Retinal dystrophy. Last evaluated: 2020-01-01. Review status: no assertion criteria provided. Criteria: ACMG Guidelines, 2015. Collection method: clinical testing. Allele origin: germline. Affected: yes. Not counted in ClinVar's aggregate classification.

NM_033100.4(CDHR1):c.887A>C (p.Asn296Thr)

Gene: CDHR1 (cadherin related family member 1; plus strand). Cytogenetic location: 10q23.1.
Variant type: single nucleotide variant.
Coding change: c.887A>C on transcript NM_033100.4 (MANE Select); coding-DNA position 887, A replaced by C.
Protein change: p.Asn296Thr; replaces asparagine 296 with threonine.
Molecular consequence: missense variant.
Genome position (GRCh38, 1-based): chr10:84,205,851, A>C. VCF-style: chr10-84205851-A-C. GRCh37 (hg19) VCF-style: chr10-85965607-A-C.
Other names: c.887A>C, p.Asn296Thr (NM_001171971.3); c.887A>C (NM_033100.2); short protein forms N296T.
Identifiers: ClinVar variation 940475 (VCV000940475.12), dbSNP rs764219118, ClinGen allele CA5579770.